The following is an entry in ClinVar:

ClinVar aggregate classification (germline): Uncertain significance (1 of 4 stars; one submission).

gnomAD v4.1: 1 of 1,608,876 alleles (0.000062%); highest among the groups gnomAD compares: Non-Finnish European, 0.000085%; no homozygotes.

Submission:

Labcorp Genetics (formerly Invitae), Labcorp
Classification: Uncertain significance. Last evaluated: 2025-01-29. Review status: criteria provided, single submitter. Criteria: Invitae Variant Classification Sherloc (09022015). Collection method: clinical testing. Allele origin: germline.
Comment: This sequence change replaces aspartic acid, which is acidic and polar, with valine, which is neutral and non-polar, at codon 696 of the PDE4D protein (p.Asp696Val). This variant is present in population databases (rs757650454, gnomAD 0.0009%). This variant has not been reported in the literature in individuals affected with PDE4D-related conditions. Invitae Evidence Modeling of protein sequence and biophysical properties (such as structural, functional, and spatial information, amino acid conservation, physicochemical variation, residue mobility, and thermodynamic stability) indicates that this missense variant is not expected to disrupt PDE4D protein function with a negative predictive value of 80%. In summary, the available evidence is currently insufficient to determine the role of this variant in disease. Therefore, it has been classified as a Variant of Uncertain Significance.

NM_001104631.2(PDE4D):c.2087A>T (p.Asp696Val)

Gene: PDE4D (phosphodiesterase 4D; minus strand). Cytogenetic location: 5q11.2.
Variant type: single nucleotide variant.
Coding change: c.2087A>T on transcript NM_001104631.2 (MANE Select); coding-DNA position 2087, A replaced by T.
Protein change: p.Asp696Val; replaces aspartic acid 696 with valine.
Molecular consequence: missense variant.
Genome position (GRCh38, 1-based): chr5:58,975,007, T>A on the plus strand (A>T on the coding strand, the complement: PDE4D is on the minus strand). VCF-style: chr5-58975007-T-A. GRCh37 (hg19) VCF-style: chr5-58270834-T-A.
Other names: c.1904A>T, p.Asp635Val (NM_001165899.2, NM_001364599.1); c.1895A>T, p.Asp632Val (NM_001197218.2); c.1721A>T, p.Asp574Val (NM_001197219.2); c.1697A>T, p.Asp566Val (NM_001197220.2); c.1181A>T, p.Asp394Val (NM_001197221.2, NM_001364603.1); c.1415A>T, p.Asp472Val (NM_001197222.2); c.1214A>T, p.Asp405Val (NM_001197223.2); c.1874A>T, p.Asp625Val (NM_001349241.2); and 3 more; short protein forms D440V, D566V, D574V, D405V, D586V, D394V, D560V, D632V.
Identifiers: ClinVar variation 3682377 (VCV003682377.2).
Genomic context (GRCh38, chr5:58,975,007, plus strand): 5'-GGGCTCTGAGGGATTGTGCTCTGGTACCATTCACGATTGTCCTCCAAAGTGTCCAAAATA[T>A]CCTGGGCGTCAGGGTGGACGAGGTCTGCCCATGTCTCCCAGAGGGGATGAACAATATAGT-3'
Protein context (NP_001098101.1, residues 686-706): WADLVHPDAQ[Asp696Val]ILDTLEDNRE